The following is an entry in ClinVar:

NM_006230.4(POLD2):c.1260C>G (p.Asp420Glu)

Gene: POLD2 (DNA polymerase delta 2, accessory subunit; minus strand). Cytogenetic location: 7p13.
Variant type: single nucleotide variant.
Coding change: c.1260C>G on transcript NM_006230.4 (MANE Select); coding-DNA position 1260, C replaced by G.
Protein change: p.Asp420Glu; replaces aspartic acid 420 with glutamic acid.
Molecular consequence: missense variant.
Genome position (GRCh38, 1-based): chr7:44,114,935, G>C on the plus strand (C>G on the coding strand, the complement: POLD2 is on the minus strand). VCF-style: chr7-44114935-G-C. GRCh37 (hg19) VCF-style: chr7-44154534-G-C.
Other names: c.1260C>G, p.Asp420Glu (NM_001127218.3, NM_001256879.2); short protein forms D420E.
Identifiers: ClinVar variation 4774183 (VCV004774183.1).

ClinVar aggregate classification (germline): Uncertain significance (1 of 4 stars; one submission).

gnomAD v4.1: 2 of 1,606,500 alleles (0.00012%); highest among the groups gnomAD compares: African/African-American, 0.0027%; no homozygotes.

Submission:

Labcorp Genetics (formerly Invitae), Labcorp
Classification: Uncertain significance. Last evaluated: 2025-12-11. Review status: criteria provided, single submitter. Criteria: Invitae Variant Classification Sherloc (09022015). Collection method: clinical testing. Allele origin: germline.
Comment: This sequence change replaces aspartic acid, which is acidic and polar, with glutamic acid, which is acidic and polar, at codon 455 of the POLD2 protein (p.Asp455Glu). This variant is present in population databases (no rsID available, gnomAD 0.01%). This variant has not been reported in the literature in individuals affected with POLD2-related conditions. An algorithm developed to predict the effect of missense changes on protein structure and function outputs the following: PolyPhen-2: "Not Available". The glutamic acid amino acid residue is found in multiple mammalian species, which suggests that this missense change does not adversely affect protein function. In summary, the available evidence is currently insufficient to determine the role of this variant in disease. Therefore, it has been classified as a Variant of Uncertain Significance.